The following is an entry in ClinVar:

NM_000088.4(COL1A1):c.3884_3890del (p.Thr1295fs)

Gene: COL1A1 (collagen type I alpha 1 chain; minus strand). Cytogenetic location: 17q21.33.
Variant type: Deletion.
Coding change: c.3884_3890del on transcript NM_000088.4 (MANE Select); coding-DNA positions 3884 to 3890, 7 bases deleted (CTGGTGA; older notation c.3884_3890delCTGGTGA).
Protein change: p.Thr1295fs; shifts the reading frame from threonine 1295.
Molecular consequence: frameshift variant.
Genome position (GRCh38, 1-based): chr17:50,186,432-50,186,438, TCACCAG deleted on the plus strand (CTGGTGA on the coding strand, the reverse complement: COL1A1 is on the minus strand); deleting any 7 consecutive bases within chr17:50,186,432-50,186,440 gives the same sequence; the c. name uses the placement nearest the transcript's 3' end. VCF-style (leftmost placement, unchanged base first): chr17-50186431-CTCACCAG-C. GRCh37 (hg19) VCF-style: chr17-48263792-CTCACCAG-C.
Other names: short protein forms T1295fs.
Identifiers: ClinVar variation 4291724 (VCV004291724.1).
Genomic context (GRCh38, chr17:50,186,431, plus strand): 5'-GTTCTTGCTGATGTACCAGTTCTTCTGGGCCACACTGGGCTGAGTGGGGTACACGCAGGT[CTCACCAG>C]TCTCCATGTTGCAGAAGACTTTGATGGCATCCAGGTTGCAGCCTTGGTTGGGGTCAATCC-3'

ClinVar aggregate classification (germline): Likely pathogenic (1 of 4 stars; one submission).

Conditions:
COL1A1-related disorder. Also called: COL1A1- related disease; COL1A1-related condition.

Submission:

3billion
Classification: Likely pathogenic for COL1A1-related disorder. Last evaluated: 2024-09-28. Review status: criteria provided, single submitter. Criteria: ACMG Guidelines, 2015. Collection method: clinical testing. Allele origin: germline. Affected: yes.
Comment: The variant is not observed in the gnomAD v4.1.0 dataset. Predicted Consequence/Location: Frameshift: predicted to result in a loss or disruption of normal protein function through nonsense-mediated decay (NMD) or protein truncation. Multiple pathogenic variants are reported downstream of the variant. Therefore, this variant is classified as Likely pathogenic according to the recommendation of ACMG/AMP guideline.